The following is an entry in ClinVar:

ClinVar aggregate classification (germline): Pathogenic (1 of 4 stars; one submission).

Conditions:
MOGS-congenital disorder of glycosylation. Also called: MOGS-CDG; CDG 2B; CDG IIb; GLUCOSIDASE I DEFICIENCY. Identifiers: Orphanet 79330, MedGen C1853736, MONDO:0011629, OMIM 606056.

Submission:

Labcorp Genetics (formerly Invitae), Labcorp
Classification: Pathogenic for MOGS-congenital disorder of glycosylation. Last evaluated: 2023-09-06. Review status: criteria provided, single submitter. Criteria: Invitae Variant Classification Sherloc (09022015). Collection method: clinical testing. Allele origin: germline.
Comment: For these reasons, this variant has been classified as Pathogenic. This variant disrupts a region of the MOGS protein in which other variant(s) (p.Arg535*) have been determined to be pathogenic (PMID: 29235540, 33261925). This suggests that this is a clinically significant region of the protein, and that variants that disrupt it are likely to be disease-causing. This variant has not been reported in the literature in individuals affected with MOGS-related conditions. This variant is not present in population databases (gnomAD no frequency). This sequence change creates a premature translational stop signal (p.Gln408Lysfs*71) in the MOGS gene. While this is not anticipated to result in nonsense mediated decay, it is expected to disrupt the last 430 amino acid(s) of the MOGS protein.

Literature cited by the submitters: PubMed 29235540; PubMed 33261925.

NM_006302.3(MOGS):c.1222del (p.Gln408fs)

Gene: MOGS (mannosyl-oligosaccharide glucosidase; minus strand). Cytogenetic location: 2p13.1.
Variant type: Deletion.
Coding change: c.1222del on transcript NM_006302.3 (MANE Select); coding-DNA position 1222, one base deleted (C; older notation c.1222delC).
Protein change: p.Gln408fs; shifts the reading frame from glutamine 408.
Molecular consequence: frameshift variant.
Genome position (GRCh38, 1-based): chr2:74,462,567, G deleted on the plus strand (C on the coding strand, the reverse complement: MOGS is on the minus strand). VCF-style (leftmost placement, unchanged base first): chr2-74462566-TG-T. GRCh37 (hg19) VCF-style: chr2-74689693-TG-T.
Other names: c.904del, p.Gln302fs (NM_001146158.2); short protein forms Q302fs, Q408fs.
Identifiers: ClinVar variation 2976812 (VCV002976812.3), dbSNP rs2529496078, ClinGen allele CA2577010130.